The following is an entry in ClinVar:

ClinVar aggregate classification (germline): Uncertain significance. Review status: criteria provided, multiple submitters, no conflicts (2 of 4 stars). 3 submissions from 3 submitters: Uncertain significance (3). Last evaluated 2025-03-07.

Conditions:
Hyperaldosteronism, familial, type IV (HALD4). Also called: FH IV; ALDOSTERONISM, PRIMARY, AND HYPERTENSION. Identifiers: Orphanet 642671, MedGen C4310756, MONDO:0014875, OMIM 617027.
Idiopathic generalized epilepsy. Also called: Generalised epilepsy; EIG. Identifiers: MedGen C0270850, MONDO:0005579, OMIM 600669.
Epilepsy, childhood absence, susceptibility to, 6. Identifiers: Orphanet 64280, MedGen C2749872, MONDO:0012763, OMIM 611942.
Inborn genetic diseases. Identifiers: MedGen C0950123, MeSH D030342.

Allele frequency attached by ClinVar (database versions not stated): gnomAD 0.00002 and 0.00005; gnomAD exomes 0.00002 and 0.00004; TOPMed 0.00002; ExAC 0.00003; 1000 Genomes Project 30x 0.00031; 1000 Genomes Project 0.00040.
gnomAD v4.1: 71 of 1,611,706 alleles (0.0044%); highest among the groups gnomAD compares: East Asian, 0.1%; no homozygotes.

Submissions (3):

Ambry Genetics
Classification: Uncertain significance for Inborn genetic diseases. Last evaluated: 2025-03-07. Review status: criteria provided, single submitter. Criteria: Ambry Variant Classification Scheme 2023. Collection method: clinical testing. Allele origin: germline.

Labcorp Genetics (formerly Invitae), Labcorp
Classification: Uncertain significance for Idiopathic generalized epilepsy; Hyperaldosteronism, familial, type IV. Last evaluated: 2024-04-15. Review status: criteria provided, single submitter. Criteria: Invitae Variant Classification Sherloc (09022015). Collection method: clinical testing. Allele origin: germline.
Comment: This sequence change replaces arginine, which is basic and polar, with glutamine, which is neutral and polar, at codon 1572 of the CACNA1H protein (p.Arg1572Gln). This variant is present in population databases (rs541249511, gnomAD 0.01%). This variant has not been reported in the literature in individuals affected with CACNA1H-related conditions. ClinVar contains an entry for this variant (Variation ID: 958143). Advanced modeling of protein sequence and biophysical properties (such as structural, functional, and spatial information, amino acid conservation, physicochemical variation, residue mobility, and thermodynamic stability) performed at Invitae indicates that this missense variant is not expected to disrupt CACNA1H protein function with a negative predictive value of 80%. In summary, the available evidence is currently insufficient to determine the role of this variant in disease. Therefore, it has been classified as a Variant of Uncertain Significance.

Fulgent Genetics
Classification: Uncertain significance for Epilepsy, childhood absence, susceptibility to, 6; Hyperaldosteronism, familial, type IV. Last evaluated: 2021-08-16. Review status: criteria provided, single submitter. Criteria: ACMG Guidelines, 2015. Collection method: clinical testing. Allele origin: unknown.

NM_021098.3(CACNA1H):c.4715G>A (p.Arg1572Gln)

Gene: CACNA1H (calcium voltage-gated channel subunit alpha1 H; plus strand). Cytogenetic location: 16p13.3.
Variant type: single nucleotide variant.
Coding change: c.4715G>A on transcript NM_021098.3 (MANE Select); coding-DNA position 4715, G replaced by A.
Protein change: p.Arg1572Gln; replaces arginine 1572 with glutamine.
Molecular consequence: missense variant.
Genome position (GRCh38, 1-based): chr16:1,212,094, G>A. VCF-style: chr16-1212094-G-A. GRCh37 (hg19) VCF-style: chr16-1262094-G-A.
Other names: c.4715G>A, p.Arg1572Gln (NM_001005407.2); short protein forms R1572Q.
Identifiers: ClinVar variation 958143 (VCV000958143.12), dbSNP rs541249511, ClinGen allele CA7801498.
Genomic context (GRCh38, chr16:1,212,094, plus strand): 5'-GCGTCGTGGTCGAGAACTTCCACAAGTGCCGGCAGCACCAGGAGGCGGAGGAGGCGCGGC[G>A]GCGAGAGGAGAAGCGGCTGCGGCGCCTAGAGAGGAGGCGCAGGAGTAAGGCGCTCCCGGT-3'
Protein context (NP_066921.2, residues 1562-1582): RQHQEAEEAR[Arg1572Gln]REEKRLRRLE